The following is an entry in ClinVar:

ClinVar aggregate classification (germline): Likely benign (0 of 4 stars; one submission).

Conditions:
SLC25A33-related disorder. Also called: SLC25A33-related condition.

gnomAD v4.1: 13 of 1,405,948 alleles (0.00092%); highest among the groups gnomAD compares: East Asian, 0.0097%; no homozygotes.

Submission:

PreventionGenetics, part of Exact Sciences
Classification: Likely benign for SLC25A33-related condition. Last evaluated: 2024-06-25. Review status: no assertion criteria provided. Collection method: clinical testing. Allele origin: germline.
Comment: This variant is classified as likely benign based on ACMG/AMP sequence variant interpretation guidelines (Richards et al. 2015 PMID: 25741868, with internal and published modifications).

NM_032315.3(SLC25A33):c.45C>T (p.Leu15=)

Genes: SLC25A33 (solute carrier family 25 member 33; plus strand), LOC120883622 (Sharpr-MPRA regulatory region 9854; plus strand). Cytogenetic location: 1p36.22.
Variant type: single nucleotide variant.
Coding change: c.45C>T on transcript NM_032315.3 (MANE Select); coding-DNA position 45, C replaced by T.
Protein change: p.Leu15=; no amino-acid change (leucine 15 retained).
Molecular consequence: synonymous variant.
Genome position (GRCh38, 1-based): chr1:9,539,736, C>T. VCF-style: chr1-9539736-C-T. GRCh37 (hg19) VCF-style: chr1-9599795-C-T.
Identifiers: ClinVar variation 3354681 (VCV003354681.1).